The following is an entry in ClinVar:

NM_016343.4(CENPF):c.8391G>C (p.Leu2797Phe)

Gene: CENPF (centromere protein F; plus strand). Cytogenetic location: 1q41.
Variant type: single nucleotide variant.
Coding change: c.8391G>C on transcript NM_016343.4 (MANE Select); coding-DNA position 8391, G replaced by C.
Protein change: p.Leu2797Phe; replaces leucine 2797 with phenylalanine.
Molecular consequence: missense variant.
Genome position (GRCh38, 1-based): chr1:214,655,309, G>C. VCF-style: chr1-214655309-G-C. GRCh37 (hg19) VCF-style: chr1-214828652-G-C.
Other names: short protein forms L2797F.
Identifiers: ClinVar variation 3032517 (VCV003032517.2), dbSNP rs754562740, ClinGen allele CA1391419.

ClinVar aggregate classification (germline): Uncertain significance (0 of 4 stars; one submission).

Conditions:
CENPF-related disorder. Also called: CENPF-related condition.

Allele frequency attached by ClinVar (database versions not stated): gnomAD 0.00002; ExAC 0.00003; TOPMed 0.00003.
gnomAD v4.1: 28 of 1,609,308 alleles (0.0017%); highest among the groups gnomAD compares: Non-Finnish European, 0.0024%; no homozygotes.

Submission:

PreventionGenetics, part of Exact Sciences
Classification: Uncertain significance for CENPF-related condition. Last evaluated: 2023-11-08. Review status: no assertion criteria provided. Collection method: clinical testing. Allele origin: germline.
Comment: The CENPF c.8391G>C variant is predicted to result in the amino acid substitution p.Leu2797Phe. To our knowledge, this variant has not been reported in the literature. This variant is reported in 0.0062% of alleles in individuals of European (Non-Finnish) descent in gnomAD. At this time, the clinical significance of this variant is uncertain due to the absence of conclusive functional and genetic evidence.